The following is an entry in ClinVar:

NM_000642.3(AGL):c.4486C>T (p.Pro1496Ser)

Gene: AGL (amylo-alpha-1,6-glucosidase and 4-alpha-glucanotransferase; plus strand). Cytogenetic location: 1p21.2.
Variant type: single nucleotide variant.
Coding change: c.4486C>T on transcript NM_000642.3 (MANE Select); coding-DNA position 4486, C replaced by T.
Protein change: p.Pro1496Ser; replaces proline 1496 with serine.
Molecular consequence: missense variant.
Genome position (GRCh38, 1-based): chr1:99,921,538, C>T. VCF-style: chr1-99921538-C-T. GRCh37 (hg19) VCF-style: chr1-100387094-C-T.
Other names: c.4486C>T, p.Pro1496Ser (NM_000028.3, NM_000643.3, NM_000644.3 and 1 more transcripts); c.4438C>T, p.Pro1480Ser (NM_000646.3); c.4465C>T, p.Pro1489Ser (NM_001425326.1); c.4285C>T, p.Pro1429Ser (NM_001425327.1); c.4282C>T, p.Pro1428Ser (NM_001425328.1); c.4147C>T, p.Pro1383Ser (NM_001425329.1); c.4108C>T, p.Pro1370Ser (NM_001425332.1); short protein forms P1480S, P1496S, P1370S, P1383S, P1428S, P1429S, P1489S.
Identifiers: ClinVar variation 1919828 (VCV001919828.2), dbSNP rs753348029, ClinGen allele CA967467.

ClinVar aggregate classification (germline): Uncertain significance (1 of 4 stars; one submission).

Conditions:
Glycogen storage disease type III (GSD3). Also called: Cori disease; FORBES DISEASE. Identifiers: Orphanet 366, MedGen C0017922, MONDO:0009291, OMIM 232400.

Allele frequency attached by ClinVar (database versions not stated): ExAC 0.00001; gnomAD exomes 0.00001.
gnomAD v4.1: 11 of 1,606,144 alleles (0.00068%); highest among the groups gnomAD compares: East Asian, 0.016%; no homozygotes.

Submission:

Labcorp Genetics (formerly Invitae), Labcorp
Classification: Uncertain significance for Glycogen storage disease type III. Last evaluated: 2022-06-20. Review status: criteria provided, single submitter. Criteria: Invitae Variant Classification Sherloc (09022015). Collection method: clinical testing. Allele origin: germline.
Comment: This sequence change replaces proline, which is neutral and non-polar, with serine, which is neutral and polar, at codon 1496 of the AGL protein (p.Pro1496Ser). This variant is present in population databases (rs753348029, gnomAD 0.006%). This variant has not been reported in the literature in individuals affected with AGL-related conditions. Algorithms developed to predict the effect of missense changes on protein structure and function (SIFT, PolyPhen-2, Align-GVGD) all suggest that this variant is likely to be tolerated. In summary, the available evidence is currently insufficient to determine the role of this variant in disease. Therefore, it has been classified as a Variant of Uncertain Significance.